The following is an entry in ClinVar:

ClinVar aggregate classification (germline): Pathogenic (1 of 4 stars; one submission).

Conditions:
Spondyloepiphyseal dysplasia with congenital joint dislocations (SEDCJD). Also called: Chondrodysplasia with Congenital Joint Dislocations, CHST3-Related. Identifiers: Orphanet 263463, MedGen C1837657, MONDO:0007738, OMIM 143095.

Submission:

Labcorp Genetics (formerly Invitae), Labcorp
Classification: Pathogenic for Spondyloepiphyseal dysplasia with congenital joint dislocations. Last evaluated: 2025-04-20. Review status: criteria provided, single submitter. Criteria: Invitae Variant Classification Sherloc (09022015). Collection method: clinical testing. Allele origin: germline.
Comment: This sequence change creates a premature translational stop signal (p.Val233Argfs*87) in the CHST3 gene. While this is not anticipated to result in nonsense mediated decay, it is expected to disrupt the last 247 amino acid(s) of the CHST3 protein. This variant is not present in population databases (gnomAD no frequency). This variant has not been reported in the literature in individuals affected with CHST3-related conditions. This variant disrupts a region of the CHST3 protein in which other variant(s) (p.Glu268*) have been determined to be pathogenic (PMID: 26572954). This suggests that this is a clinically significant region of the protein, and that variants that disrupt it are likely to be disease-causing. For these reasons, this variant has been classified as Pathogenic.

Literature cited by the submitters: PubMed 26572954.

NM_004273.5(CHST3):c.696dup (p.Val233fs)

Gene: CHST3 (carbohydrate sulfotransferase 3; plus strand). Cytogenetic location: 10q22.1.
Variant type: Duplication.
Coding change: c.696dup on transcript NM_004273.5 (MANE Select); coding-DNA position 696, one base duplicated (C; older notation c.696dupC).
Protein change: p.Val233fs; shifts the reading frame from valine 233.
Molecular consequence: frameshift variant.
Genome position (GRCh38, 1-based): chr10:72,007,727, C duplicated; the last of 4 consecutive C bases (chr10:72,007,724-72,007,727); duplicating any one gives the same sequence. VCF-style (leftmost placement, unchanged base first): chr10-72007723-A-AC. GRCh37 (hg19) VCF-style: chr10-73767481-A-AC.
Other names: c.696dup, p.Val233fs (NM_001441201.1, NM_001441202.1); short protein forms V233fs.
Identifiers: ClinVar variation 4716158 (VCV004716158.1).